The following is an entry in ClinVar:

NC_000006.12:g.32853762C>A

Gene: TAP1 (transporter 1, ATP binding cassette subfamily B member; minus strand). Cytogenetic location: 6p21.32.
Variant type: single nucleotide variant.
Genome position: GRCh38 VCF-style: chr6-32853762-C-A. GRCh37 (hg19) VCF-style: chr6-32821539-C-A.
Identifiers: ClinVar variation 1415463 (VCV001415463.6), dbSNP rs753996695, ClinGen allele CA3747118.

ClinVar aggregate classification (germline): Uncertain significance (1 of 4 stars; one submission).

Conditions:
MHC class I deficiency. Identifiers: Orphanet 34592, MedGen C6024714, MONDO:0011476.

Allele frequency attached by ClinVar (database versions not stated): gnomAD 0.00011 and 0.00014; TOPMed 0.00015.

Submission:

Labcorp Genetics (formerly Invitae), Labcorp
Classification: Uncertain significance for MHC class I deficiency 1. Last evaluated: 2023-08-17. Review status: criteria provided, single submitter. Criteria: Invitae Variant Classification Sherloc (09022015). Collection method: clinical testing. Allele origin: germline.
Comment: This sequence change replaces alanine, which is neutral and non-polar, with serine, which is neutral and polar, at codon 19 of the TAP1 protein (p.Ala19Ser). In summary, the available evidence is currently insufficient to determine the role of this variant in disease. Therefore, it has been classified as a Variant of Uncertain Significance. Algorithms developed to predict the effect of missense changes on protein structure and function output the following: SIFT: "Not Available"; PolyPhen-2: "Not Available"; Align-GVGD: "Not Available". The serine amino acid residue is found in multiple mammalian species, which suggests that this missense change does not adversely affect protein function. ClinVar contains an entry for this variant (Variation ID: 1415463). This variant has not been reported in the literature in individuals affected with TAP1-related conditions. The frequency data for this variant in the population databases is considered unreliable, as metrics indicate poor data quality at this position in the gnomAD database.